The following is an entry in ClinVar:

NC_000014.8:g.(?_105781256)_(105858123_?)dup

Genes: BRF1 (BRF1 RNA polymerase III transcription initiation factor subunit; minus strand), PACS2 (phosphofurin acidic cluster sorting protein 2; plus strand). Cytogenetic location: 14q32.33.
Variant type: Duplication.
Identifiers: ClinVar variation 3244068 (VCV003244068.1).

ClinVar aggregate classification (germline): Uncertain significance (1 of 4 stars; one submission).

Submission:

Labcorp Genetics (formerly Invitae), Labcorp
Classification: Uncertain significance. Last evaluated: 2023-09-19. Review status: criteria provided, single submitter. Criteria: Invitae Variant Classification Sherloc (09022015). Collection method: clinical testing. Allele origin: unknown.
Comment: This variant results in a copy number gain of the genomic region encompassing exon(s) 1-22 of the PACS2 gene. This region includes the initiator codon of the gene. This copy number gain extends beyond the assayed region for this gene and therefore may encompass additional genes. As the precise location of this event is unknown, it may be in tandem or it may be located elsewhere in the genome. This variant has not been reported in the literature in individuals affected with PACS2-related conditions. In summary, the available evidence is currently insufficient to determine the role of this variant in disease. Therefore, it has been classified as a Variant of Uncertain Significance.